The following is an entry in ClinVar:

ClinVar aggregate classification (germline): Uncertain significance. Review status: criteria provided, multiple submitters, no conflicts (2 of 4 stars). 2 submissions from 2 submitters: Uncertain significance (2). Last evaluated 2025-09-26.

Conditions:
Hereditary cancer-predisposing syndrome. Also called: Tumor predisposition; Neoplastic Syndromes, Hereditary; Hereditary Cancer Syndrome; Hereditary neoplastic syndrome. Identifiers: Orphanet 140162, MedGen C0027672, MeSH D009386, MONDO:0015356.
Tumor predisposition syndrome 3 (TPDS3). Also called: Melanoma, cutaneous malignant, susceptibility to, 10; Glioma susceptibility 9; LONG TELOMERE SYNDROME, POT1-RELATED; POT1 Tumor Predisposition. Identifiers: Orphanet 618, MedGen C4014476, MONDO:0014368, OMIM 615848.

Submissions (2):

Ambry Genetics
Classification: Uncertain significance for Hereditary cancer-predisposing syndrome. Last evaluated: 2025-09-26. Review status: criteria provided, single submitter. Criteria: Ambry Variant Classification Scheme 2023. Collection method: clinical testing. Allele origin: germline.
Comment: The p.S472R variant (also known as c.1416T>A), located in coding exon 11 of the POT1 gene, results from a T to A substitution at nucleotide position 1416. The serine at codon 472 is replaced by arginine, an amino acid with dissimilar properties. This amino acid position is well conserved in available vertebrate species. In addition, the in silico prediction for this alteration is inconclusive. Based on the available evidence, the clinical significance of this variant remains unclear.

Labcorp Genetics (formerly Invitae), Labcorp
Classification: Uncertain significance for Tumor predisposition syndrome 3. Last evaluated: 2022-07-12. Review status: criteria provided, single submitter. Criteria: Invitae Variant Classification Sherloc (09022015). Collection method: clinical testing. Allele origin: germline.
Comment: This sequence change replaces serine, which is neutral and polar, with arginine, which is basic and polar, at codon 472 of the POT1 protein (p.Ser472Arg). This variant is not present in population databases (gnomAD no frequency). This variant has not been reported in the literature in individuals affected with POT1-related conditions. ClinVar contains an entry for this variant (Variation ID: 657229). Algorithms developed to predict the effect of missense changes on protein structure and function are either unavailable or do not agree on the potential impact of this missense change (SIFT: "Deleterious"; PolyPhen-2: "Possibly Damaging"; Align-GVGD: "Class C0"). In summary, the available evidence is currently insufficient to determine the role of this variant in disease. Therefore, it has been classified as a Variant of Uncertain Significance.

NM_015450.3(POT1):c.1416T>A (p.Ser472Arg)

Gene: POT1 (protection of telomeres 1; minus strand). Cytogenetic location: 7q31.33.
Variant type: single nucleotide variant.
Coding change: c.1416T>A on transcript NM_015450.3 (MANE Select); coding-DNA position 1416, T replaced by A.
Protein change: p.Ser472Arg; replaces serine 472 with arginine.
Molecular consequence: missense variant. On other transcripts: non-coding transcript variant (3).
Genome position (GRCh38, 1-based): chr7:124,835,368, A>T on the plus strand (T>A on the coding strand, the complement: POT1 is on the minus strand). VCF-style: chr7-124835368-A-T. GRCh37 (hg19) VCF-style: chr7-124475422-A-T.
Other names: c.1023T>A, p.Ser341Arg (NM_001042594.2); short protein forms S341R, S472R.
Identifiers: ClinVar variation 657229 (VCV000657229.10), dbSNP rs146643991, ClinGen allele CA369065805.
Genomic context (GRCh38, chr7:124,835,368, plus strand): 5'-AAATGGTGCTGAAAGGTCCAAAAGTTCCAGGTCTTCGTGGCCAGATCTCACAGGAATTAC[A>T]CTATTAAACTTGTTCGAGAGTTTGCAAATTTCACTGAGTGTACCTCCTGTTAAGAGAATA-3'
Protein context (NP_056265.2, residues 462-482): EICKLSNKFN[Ser472Arg]VIPVRSGHED